The following is an entry in ClinVar:

NM_004655.4(AXIN2):c.1498C>T (p.Leu500Phe)

Gene: AXIN2 (axin 2; minus strand). Cytogenetic location: 17q24.1.
Variant type: single nucleotide variant.
Coding change: c.1498C>T on transcript NM_004655.4 (MANE Select); coding-DNA position 1498, C replaced by T.
Protein change: p.Leu500Phe; replaces leucine 500 with phenylalanine.
Molecular consequence: missense variant.
Genome position (GRCh38, 1-based): chr17:65,537,538, G>A on the plus strand (C>T on the coding strand, the complement: AXIN2 is on the minus strand). VCF-style: chr17-65537538-G-A. GRCh37 (hg19) VCF-style: chr17-63533656-G-A.
Other names: c.1498C>T, p.Leu500Phe (NM_001363813.1); short protein forms L500F.
Identifiers: ClinVar variation 1773922 (VCV001773922.7), dbSNP rs2509413930, ClinGen allele CA400677388.

ClinVar aggregate classification (germline): Uncertain significance. Review status: criteria provided, multiple submitters, no conflicts (2 of 4 stars). 2 submissions from 2 submitters: Uncertain significance (2). Last evaluated 2024-12-10.

Conditions:
Hereditary cancer-predisposing syndrome. Also called: Hereditary Cancer Syndrome; Hereditary neoplastic syndrome; Neoplastic Syndromes, Hereditary; Tumor predisposition. Identifiers: Orphanet 140162, MedGen C0027672, MeSH D009386, MONDO:0015356.
Oligodontia-cancer predisposition syndrome. Also called: TOOTH AGENESIS-COLORECTAL CANCER SYNDROME. Identifiers: Orphanet 300576, MedGen C1837750, MONDO:0012075, OMIM 608615. Disease mechanism: loss of function.

Allele frequency attached by ClinVar (database versions not stated): gnomAD exomes below 0.00001.
gnomAD v4.1: 1 of 1,613,268 alleles (0.000062%); highest among the groups gnomAD compares: East Asian, 0.0022%; no homozygotes.

Submissions (2):

Labcorp Genetics (formerly Invitae), Labcorp
Classification: Uncertain significance for Oligodontia-cancer predisposition syndrome. Last evaluated: 2024-12-10. Review status: criteria provided, single submitter. Criteria: Invitae Variant Classification Sherloc (09022015). Collection method: clinical testing. Allele origin: germline.
Comment: This sequence change replaces leucine, which is neutral and non-polar, with phenylalanine, which is neutral and non-polar, at codon 500 of the AXIN2 protein (p.Leu500Phe). This variant is not present in population databases (gnomAD no frequency). This variant has not been reported in the literature in individuals affected with AXIN2-related conditions. ClinVar contains an entry for this variant (Variation ID: 1773922). Invitae Evidence Modeling of protein sequence and biophysical properties (such as structural, functional, and spatial information, amino acid conservation, physicochemical variation, residue mobility, and thermodynamic stability) indicates that this missense variant is not expected to disrupt AXIN2 protein function with a negative predictive value of 80%. In summary, the available evidence is currently insufficient to determine the role of this variant in disease. Therefore, it has been classified as a Variant of Uncertain Significance.

Ambry Genetics
Classification: Uncertain significance for Hereditary cancer-predisposing syndrome. Last evaluated: 2021-03-30. Review status: criteria provided, single submitter. Criteria: Ambry Variant Classification Scheme 2023. Collection method: clinical testing. Allele origin: germline.
Comment: The p.L500F variant (also known as c.1498C>T), located in coding exon 5 of the AXIN2 gene, results from a C to T substitution at nucleotide position 1498. The leucine at codon 500 is replaced by phenylalanine, an amino acid with highly similar properties. This amino acid position is well conserved in available vertebrate species. In addition, this alteration is predicted to be tolerated by in silico analysis. Since supporting evidence is limited at this time, the clinical significance of this alteration remains unclear.